The following is an entry in ClinVar:

ClinVar aggregate classification (germline): Uncertain significance. Review status: criteria provided, multiple submitters, no conflicts (2 of 4 stars). 2 submissions from 2 submitters: Uncertain significance (2). Last evaluated 2025-07-28.

Conditions:
Inborn genetic diseases. Identifiers: MedGen C0950123, MeSH D030342.

gnomAD v4.1: 4 of 1,511,896 alleles (0.00026%); highest among the groups gnomAD compares: Admixed American, 0.0082%; no homozygotes.

Submissions (2):

GeneDx
Classification: Uncertain significance. Last evaluated: 2025-07-28. Review status: criteria provided, single submitter. Criteria: GeneDx Variant Classification Process June 2021. Collection method: clinical testing. Allele origin: germline. Affected: yes.
Comment: In silico analysis suggests that this missense variant does not alter protein structure/function; Has not been previously published as pathogenic or benign to our knowledge

Ambry Genetics
Classification: Uncertain significance for Inborn genetic diseases. Last evaluated: 2025-06-03. Review status: criteria provided, single submitter. Criteria: Ambry Variant Classification Scheme 2023. Collection method: clinical testing. Allele origin: germline.

NM_000297.4(PKD2):c.567G>T (p.Trp189Cys)

Genes: PKD2 (polycystin 2, transient receptor potential cation channel; plus strand), LOC129992813 (ATAC-STARR-seq lymphoblastoid silent region 15559; plus strand). Cytogenetic location: 4q22.1.
Variant type: single nucleotide variant.
Coding change: c.567G>T on transcript NM_000297.4 (MANE Select); coding-DNA position 567, G replaced by T.
Protein change: p.Trp189Cys; replaces tryptophan 189 with cysteine.
Molecular consequence: missense variant. On other transcripts: non-coding transcript variant (1).
Genome position (GRCh38, 1-based): chr4:88,008,300, G>T. VCF-style: chr4-88008300-G-T. GRCh37 (hg19) VCF-style: chr4-88929452-G-T.
Other names: short protein forms W189C.
Identifiers: ClinVar variation 3933022 (VCV003933022.2).